The following is an entry in ClinVar:

NM_000455.5(STK11):c.1206C>T (p.Thr402=)

Gene: STK11 (serine/threonine kinase 11; plus strand). Cytogenetic location: 19p13.3.
Variant type: single nucleotide variant.
Coding change: c.1206C>T on transcript NM_000455.5 (MANE Select); coding-DNA position 1206, C replaced by T.
Protein change: p.Thr402=; no amino-acid change (threonine 402 retained).
Molecular consequence: synonymous variant. On other transcripts: non-coding transcript variant (1).
Genome position (GRCh38, 1-based): chr19:1,226,551, C>T. VCF-style: chr19-1226551-C-T. GRCh37 (hg19) VCF-style: chr19-1226550-C-T.
Identifiers: ClinVar variation 2031823 (VCV002031823.5), dbSNP rs758129211, ClinGen allele CA504708538.
Genomic context (GRCh38, chr19:1,226,551, plus strand): 5'-GCGCCGGGGCCTCCCCAAGGCCGTGTGTATGAACGGCACAGAGGCGGCGCAGCTGAGCAC[C>T]AAATCCAGGGCGGAGGGCCGGGCCCCCAACCCTGCCCGCAAGGCCTGCTCCGCCAGCAGC-3'
Protein context (NP_000446.1, residues 392-412): MNGTEAAQLS[Thr402=]KSRAEGRAPN

ClinVar aggregate classification (germline): Benign/Likely benign. Review status: criteria provided, multiple submitters, no conflicts (2 of 4 stars). 2 submissions from 2 submitters: Benign (1); Likely benign (1). Last evaluated 2025-03-28.

Conditions:
Peutz-Jeghers syndrome (PJS). Also called: POLYPOSIS, HAMARTOMATOUS INTESTINAL; POLYPS-AND-SPOTS SYNDROME; Peutz-Jeghers polyposis; Periorificial lentiginosis syndrome. Identifiers: Orphanet 2869, MedGen C0031269, MeSH D010580, MONDO:0008280, OMIM 175200.

Submissions (2):

Myriad Genetics, Inc.
Classification: Benign for Peutz-Jeghers syndrome. Last evaluated: 2025-03-28. Review status: criteria provided, single submitter. Criteria: Myriad Autosomal Dominant, Autosomal Recessive and X-Linked Classification Criteria (2023). Collection method: clinical testing. Allele origin: unknown.
Comment: This variant is considered benign. This variant is a silent/synonymous amino acid change and it is not expected to impact splicing.

Labcorp Genetics (formerly Invitae), Labcorp
Classification: Likely benign for Peutz-Jeghers syndrome. Last evaluated: 2022-09-22. Review status: criteria provided, single submitter. Criteria: Invitae Variant Classification Sherloc (09022015). Collection method: clinical testing. Allele origin: germline.